The following is an entry in ClinVar:

NM_007294.4(BRCA1):c.119A>C (p.Asp40Ala)

Gene: BRCA1 (BRCA1 DNA repair associated; minus strand). Cytogenetic location: 17q21.31.
Variant type: single nucleotide variant.
Coding change: c.119A>C on transcript NM_007294.4 (MANE Select); coding-DNA position 119, A replaced by C.
Protein change: p.Asp40Ala; replaces aspartic acid 40 with alanine.
Molecular consequence: missense variant. On other transcripts: non-coding transcript variant (1), intron variant (1).
Genome position (GRCh38, 1-based): chr17:43,115,741, T>G on the plus strand (A>C on the coding strand, the complement: BRCA1 is on the minus strand). VCF-style: chr17-43115741-T-G. GRCh37 (hg19) VCF-style: chr17-41267758-T-G.
Other names: c.119A>C, p.Asp40Ala (NM_001408426.1, NM_001408427.1, NM_001408428.1 and 192 more transcripts); c.-23A>C (NM_001408452.1, NM_001408453.1, NM_001408458.1 and 47 more transcripts); c.-139A>C (NM_001408455.1, NM_001408456.1, NM_001408468.1 and 13 more transcripts); c.-143A>C (NM_001408465.1, NM_001407695.1); c.-70A>C (NM_001408478.1, NM_001408479.1, NM_001408480.1 and 52 more transcripts); c.-186A>C (NM_001408492.1, NM_001407889.1, NM_001407900.1); c.-185A>C (NM_001408510.1, NM_001408512.1, NM_001407960.1 and 1 more transcripts); c.-8+8276A>C (NM_007297.4); and 2 more; short protein forms D40A.
Identifiers: ClinVar variation 867819 (VCV000867819.3), dbSNP rs2055249737, ClinGen allele CA10601922.

Conditions:
Breast-ovarian cancer, familial, susceptibility to, 1 (BROVCA1). Also called: BRCA1 Hereditary Breast and Ovarian Cancer; OVARIAN CANCER, SUSCEPTIBILITY TO. Identifiers: Orphanet 145, MedGen C2676676, MONDO:0011450, OMIM 604370. Disease mechanism: loss of function.

Submission:

Brotman Baty Institute, University of Washington
No classification provided (evidence only). Condition: Breast-ovarian cancer, familial 1. Review status: no classification provided. Collection method: in vitro. Allele origin: not applicable. Functional consequence: functionally_normal.
ClinVar note: "not provided" was previously submitted as the classification for the variant. However, the classification appeared to be based only on an observation of functional data so it was converted to no classification on 2025-07-30.